The following is an entry in ClinVar:

ClinVar aggregate classification (germline): Pathogenic (1 of 4 stars; one submission).

Conditions:
Autosomal recessive limb-girdle muscular dystrophy type R18 (LGMDR18). Also called: Autosomal recessive limb-girdle muscular dystrophy type 2S; Limb-girdle muscular dystrophy, type 2S; MUSCULAR DYSTROPHY, LIMB-GIRDLE, AUTOSOMAL RECESSIVE 18. Identifiers: Orphanet 369840, MedGen C4517996, MONDO:0014144, OMIM 615356.

Submission:

Labcorp Genetics (formerly Invitae), Labcorp
Classification: Pathogenic for Autosomal recessive limb-girdle muscular dystrophy type R18. Last evaluated: 2024-07-01. Review status: criteria provided, single submitter. Criteria: Invitae Variant Classification Sherloc (09022015). Collection method: clinical testing. Allele origin: germline.
Comment: This sequence change creates a premature translational stop signal (p.Asn378Ilefs*5) in the TRAPPC11 gene. It is expected to result in an absent or disrupted protein product. Loss-of-function variants in TRAPPC11 are known to be pathogenic (PMID: 23830518, 26322222). This variant is not present in population databases (gnomAD no frequency). This variant has not been reported in the literature in individuals affected with TRAPPC11-related conditions. For these reasons, this variant has been classified as Pathogenic.

Literature cited by the submitters: PubMed 23830518; PubMed 26322222.

NM_021942.6(TRAPPC11):c.1131del (p.Asn378fs)

Gene: TRAPPC11 (trafficking protein particle complex subunit 11; plus strand). Cytogenetic location: 4q35.1.
Variant type: Deletion.
Coding change: c.1131del on transcript NM_021942.6 (MANE Select); coding-DNA position 1131, one base deleted (C; older notation c.1131delC).
Protein change: p.Asn378fs; shifts the reading frame from asparagine 378.
Molecular consequence: frameshift variant.
Genome position (GRCh38, 1-based): chr4:183,682,749, C deleted; the last of 3 consecutive C bases (chr4:183,682,747-183,682,749); deleting any one gives the same sequence. VCF-style (leftmost placement, unchanged base first): chr4-183682746-TC-T. GRCh37 (hg19) VCF-style: chr4-184603899-TC-T.
Other names: c.1131del, p.Asn378fs (NM_199053.3); short protein forms N378fs.
Identifiers: ClinVar variation 2810365 (VCV002810365.3), dbSNP rs2476862111, ClinGen allele CA2739270365.